The following is an entry in ClinVar:

NM_000264.5(PTCH1):c.2710A>T (p.Lys904Ter)

Gene: PTCH1 (patched 1; minus strand). Cytogenetic location: 9q22.32.
Variant type: single nucleotide variant.
Coding change: c.2710A>T on transcript NM_000264.5 (MANE Select); coding-DNA position 2710, A replaced by T.
Protein change: p.Lys904Ter; replaces lysine 904 with a stop codon.
Molecular consequence: nonsense. On other transcripts: non-coding transcript variant (1).
Genome position (GRCh38, 1-based): chr9:95,459,777, T>A on the plus strand (A>T on the coding strand, the complement: PTCH1 is on the minus strand). VCF-style: chr9-95459777-T-A. GRCh37 (hg19) VCF-style: chr9-98222059-T-A.
Other names: c.2512A>T, p.Lys838Ter (NM_001083602.3); c.2707A>T, p.Lys903Ter (NM_001083603.3); c.2257A>T, p.Lys753Ter (NM_001083604.3, NM_001083605.3, NM_001083606.3 and 1 more transcripts); c.2554A>T, p.Lys852Ter (NM_001354918.2); short protein forms K852*, K753*, K904*, K838*, K903*.
Identifiers: ClinVar variation 4146904 (VCV004146904.1).

ClinVar aggregate classification (germline): Pathogenic (1 of 4 stars; one submission).

Conditions:
Hereditary cancer-predisposing syndrome. Also called: Hereditary neoplastic syndrome; Neoplastic Syndromes, Hereditary; Tumor predisposition; Hereditary Cancer Syndrome. Identifiers: Orphanet 140162, MedGen C0027672, MeSH D009386, MONDO:0015356.

Submission:

Ambry Genetics
Classification: Pathogenic for Hereditary cancer-predisposing syndrome. Last evaluated: 2025-09-05. Review status: criteria provided, single submitter. Criteria: Ambry Variant Classification Scheme 2023. Collection method: clinical testing. Allele origin: germline.
Comment: The p.K904* pathogenic mutation (also known as c.2710A>T), located in coding exon 17 of the PTCH1 gene, results from an A to T substitution at nucleotide position 2710. This changes the amino acid from a lysine to a stop codon within coding exon 17. This variant was reported in individual(s) with features consistent with PTCH1-related nevoid basal cell carcinoma syndrome (Ambry internal data). This variant is considered to be rare based on population cohorts in the Genome Aggregation Database (gnomAD). This alteration is expected to result in loss of function by premature protein truncation or nonsense-mediated mRNA decay. As such, this alteration is interpreted as a disease-causing mutation.